The following is an entry in ClinVar:

NM_003737.4(DCHS1):c.8624G>C (p.Arg2875Pro)

Gene: DCHS1 (dachsous cadherin-related 1; minus strand). Cytogenetic location: 11p15.4.
Variant type: single nucleotide variant.
Coding change: c.8624G>C on transcript NM_003737.4 (MANE Select); coding-DNA position 8624, G replaced by C.
Protein change: p.Arg2875Pro; replaces arginine 2875 with proline.
Molecular consequence: missense variant.
Genome position (GRCh38, 1-based): chr11:6,623,052, C>G on the plus strand (G>C on the coding strand, the complement: DCHS1 is on the minus strand). VCF-style: chr11-6623052-C-G. GRCh37 (hg19) VCF-style: chr11-6644283-C-G.
Other names: short protein forms R2875P.
Identifiers: ClinVar variation 4694388 (VCV004694388.1).

ClinVar aggregate classification (germline): Uncertain significance (1 of 4 stars; one submission).

gnomAD v4.1: 15 of 1,578,212 alleles (0.00095%); highest among the groups gnomAD compares: Non-Finnish European, 0.0013%; no homozygotes.

Submission:

Labcorp Genetics (formerly Invitae), Labcorp
Classification: Uncertain significance. Last evaluated: 2026-02-04. Review status: criteria provided, single submitter. Criteria: Invitae Variant Classification Sherloc (09022015). Collection method: clinical testing. Allele origin: germline.
Comment: This sequence change replaces arginine, which is basic and polar, with proline, which is neutral and non-polar, at codon 2875 of the DCHS1 protein (p.Arg2875Pro). This variant is not present in population databases (gnomAD no frequency). This variant has not been reported in the literature in individuals affected with DCHS1-related conditions. Invitae Evidence Modeling of protein sequence and biophysical properties (such as structural, functional, and spatial information, amino acid conservation, physicochemical variation, residue mobility, and thermodynamic stability) indicates that this missense variant is not expected to disrupt DCHS1 protein function with a negative predictive value of 95%. In summary, the available evidence is currently insufficient to determine the role of this variant in disease. Therefore, it has been classified as a Variant of Uncertain Significance.